The following is an entry in ClinVar:

ClinVar aggregate classification (germline): Conflicting classifications of pathogenicity. Review status: criteria provided, conflicting classifications (1 of 4 stars). 6 submissions from 6 submitters: Uncertain significance (1); Benign (2); Likely benign (2). 1 of the submissions does not count toward it. Last evaluated 2026-01-07.

Conditions:
Polycystic kidney disease 2 (PKD2). Also called: Polycystic Kidney Disease 2, Autosomal Dominant; POLYCYSTIC KIDNEY DISEASE, ADULT, TYPE II; POLYCYSTIC KIDNEY DISEASE 2 WITH OR WITHOUT POLYCYSTIC LIVER DISEASE. Identifiers: MedGen C2751306, MONDO:0013131, OMIM 613095.
Polycystic kidney disease. Also called: Kidney, Polycystic; Polycystic kidney dysplasia. Identifiers: MedGen C0022680, MeSH D007690, MONDO:0020642, HP:0000113.
Autosomal dominant polycystic kidney disease. Identifiers: Orphanet 730, MedGen C0085413, MONDO:0004691.

Allele frequency attached by ClinVar (database versions not stated): ExAC 0.00010; gnomAD exomes 0.00023 and 0.00130; gnomAD 0.00026 and 0.00037; TOPMed 0.00043; 1000 Genomes Project 0.00220; 1000 Genomes Project 30x 0.00234.
gnomAD v4.1: 377 of 1,512,878 alleles (0.025%); highest among the groups gnomAD compares: East Asian, 0.82%; 3 homozygotes.

Submissions (6):

Labcorp Genetics (formerly Invitae), Labcorp
Classification: Benign for Autosomal dominant polycystic kidney disease. Last evaluated: 2026-01-07. Review status: criteria provided, single submitter. Criteria: Invitae Variant Classification Sherloc (09022015). Collection method: clinical testing. Allele origin: germline.

Blueprint Genetics
Classification: Likely benign. Last evaluated: 2024-10-30. Review status: criteria provided, single submitter. Criteria: ACMG Guidelines, 2015. Collection method: clinical testing. Allele origin: germline.

GeneDx
Classification: Likely benign. Last evaluated: 2020-01-27. Review status: criteria provided, single submitter. Criteria: GeneDx Variant Classification Process June 2021. Collection method: clinical testing. Allele origin: germline. Affected: yes.

Illumina Laboratory Services, Illumina
Classification: Uncertain significance for Polycystic kidney disease 2. Last evaluated: 2017-04-27. Review status: criteria provided, single submitter. Criteria: ICSL Variant Classification Criteria 13 December 2019. Collection method: clinical testing. Allele origin: germline.
Comment: This variant was observed as part of a predisposition screen in an ostensibly healthy population. A literature search was performed for the gene, cDNA change, and amino acid change (where applicable). Publications were found based on this search. However, the evidence from the literature, in combination with allele frequency data from public databases where available, was not sufficient to rule this variant in or out of causing disease. Therefore, this variant is classified as a variant of unknown significance.

ARUP Laboratories, Molecular Genetics and Genomics, ARUP Laboratories
Classification: Benign. Last evaluated: 2017-03-25. Review status: criteria provided, single submitter. Criteria: ARUP Molecular Germline Variant Investigation Process. Collection method: clinical testing. Allele origin: germline.

Department of Pathology and Laboratory Medicine, Sinai Health System
Classification: Likely benign for Polycystic Kidney disease. Review status: no assertion criteria provided. Collection method: clinical testing. Allele origin: unknown. Affected: yes. Study: The Canadian Open Genetics Repository (COGR). Not counted in ClinVar's aggregate classification.
Comment: The PKD2 c.595+15C>T variant was not identified in the literature nor was it identified in the LOVD 3.0, ADPKD Mutation Database and PKD2-LOVD databases. It was identified in dbSNP (ID: rs559555727) as "With Benign Allele" and ClinVar (classified as 1x Benign by ARUP Laboratories). The variant was also identified in control databases in 156 of 138366 chromosomes (1 homozygous) at a frequency of 0.001 increasing the likelihood this could be a low frequency benign variant (Genome Aggregation Database Feb 27, 2017). The variant was observed in the following populations: Other in 1 of 3982 chromosomes (freq: 0.0003), Latino in 1 of 21870 chromosomes (freq: 0.00005), European in 2 of 54006 chromosomes (freq: 0.00004), East Asian in 150 of 9980 chromosomes (freq: 0.02), and South Asian in 2 of 20178 chromosomes (freq: 0.0001), while the variant was not observed in the African, Ashkenazi Jewish and Finnish populations. The variant occurs outside of the splicing consensus sequence and in silico or computational prediction software programs (SpliceSiteFinder, MaxEntScan, NNSPLICE, GeneSplicer) do not predict a difference in splicing. In summary, based on the above information the clinical significance of this variant cannot be determined with certainty at this time although we would lean towards a more benign role for this variant. This variant is classified as likely benign.

Literature cited by the submitters: PubMed 25491204 (cited by Illumina Laboratory Services, Illumina).

NM_000297.4(PKD2):c.595+15C>T

Gene: PKD2 (polycystin 2, transient receptor potential cation channel; plus strand). Cytogenetic location: 4q22.1.
Variant type: single nucleotide variant.
Coding change: c.595+15C>T on transcript NM_000297.4 (MANE Select); 15 bases into the intron after coding-DNA position 595, C replaced by T.
Molecular consequence: intron variant.
Genome position (GRCh38, 1-based): chr4:88,008,343, C>T. VCF-style: chr4-88008343-C-T. GRCh37 (hg19) VCF-style: chr4-88929495-C-T.
Identifiers: ClinVar variation 440151 (VCV000440151.33), dbSNP rs559555727, ClinGen allele CA3003733.